The following is an entry in ClinVar:

NM_001458.5(FLNC):c.2994A>G (p.Gln998=)

Gene: FLNC (filamin C; plus strand). Cytogenetic location: 7q32.1.
Variant type: single nucleotide variant.
Coding change: c.2994A>G on transcript NM_001458.5 (MANE Select); coding-DNA position 2994, A replaced by G.
Protein change: p.Gln998=; no amino-acid change (glutamine 998 retained).
Molecular consequence: synonymous variant.
Genome position (GRCh38, 1-based): chr7:128,844,068, A>G. VCF-style: chr7-128844068-A-G. GRCh37 (hg19) VCF-style: chr7-128484122-A-G.
Other names: c.2994A>G, p.Gln998= (NM_001127487.2).
Identifiers: ClinVar variation 539497 (VCV000539497.39), dbSNP rs558712725, ClinGen allele CA4474930.
Genomic context (GRCh38, chr7:128,844,068, plus strand): 5'-GGCTGTGGGACAGGAACAAGCATTCTCTGTGAACACACGAGGGGCTGGCGGTCAGGGCCA[A>G]CTGGATGTGCGGATGACTTCGCCCTCTCGCCGGCCCATCCCCTGCAAGCTGGAGCCAGGC-3'
Protein context (NP_001449.3, residues 988-1008): VNTRGAGGQG[Gln998=]LDVRMTSPSR

ClinVar aggregate classification (germline): Likely benign. Review status: criteria provided, multiple submitters, no conflicts (2 of 4 stars). 4 submissions from 4 submitters: Likely benign (4). Last evaluated 2026-08-01.

Conditions:
Cardiovascular phenotype. Identifiers: MedGen CN230736.
Distal myopathy with posterior leg and anterior hand involvement. Also called: WILLIAMS DISTAL MYOPATHY. Identifiers: Orphanet 63273, MedGen C3279722, MONDO:0013550, OMIM 614065.
Myofibrillar myopathy 5. Also called: Filaminopathy (type); FILAMINOPATHY, AUTOSOMAL DOMINANT. Identifiers: Orphanet 171445, MedGen C1836050, MONDO:0012289, OMIM 609524.
Hypertrophic cardiomyopathy 26. Also called: Cardiomyopathy, familial hypertrophic, 26. Identifiers: Orphanet 75249, MedGen C4310749, MONDO:0014883, OMIM 617047.
FLNC-related disorder. Also called: FLNC-related disorders; FLNC-related condition.

Allele frequency attached by ClinVar (database versions not stated): ExAC 0.00005; gnomAD exomes 0.00005; gnomAD 0.00006; TOPMed 0.00006; 1000 Genomes Project 30x 0.00016; 1000 Genomes Project 0.00020.
gnomAD v4.1: 102 of 1,614,004 alleles (0.0063%); highest among the groups gnomAD compares: Admixed American, 0.01%; no homozygotes.

Submissions (4):

CeGaT Center for Human Genetics Tuebingen
Classification: Likely benign. Last evaluated: 2026-08-01. Review status: criteria provided, single submitter. Criteria: CeGaT Center For Human Genetics Tuebingen Variant Classification Criteria Version 2. Collection method: clinical testing. Allele origin: germline. Affected: yes. Observed: 3 variant alleles.
Comment: FLNC: BP4, BP7

PreventionGenetics, part of Exact Sciences
Classification: Likely benign for FLNC-related condition. Last evaluated: 2026-02-25. Review status: criteria provided, single submitter. Criteria: ACMG Guidelines, 2015. Collection method: clinical testing. Allele origin: germline.
Comment: This variant is classified as likely benign based on ACMG/AMP sequence variant interpretation guidelines (Richards et al. 2015 PMID: 25741868, with internal and published modifications).

Labcorp Genetics (formerly Invitae), Labcorp
Classification: Likely benign for Distal myopathy with posterior leg and anterior hand involvement; Myofibrillar myopathy 5; Hypertrophic cardiomyopathy 26. Last evaluated: 2026-01-12. Review status: criteria provided, single submitter. Criteria: Invitae Variant Classification Sherloc (09022015). Collection method: clinical testing. Allele origin: germline.

Ambry Genetics
Classification: Likely benign for Cardiovascular phenotype. Last evaluated: 2019-06-21. Review status: criteria provided, single submitter. Criteria: Ambry Variant Classification Scheme 2023. Collection method: clinical testing. Allele origin: germline.